The following is an entry in ClinVar:

ClinVar aggregate classification (germline): Uncertain significance. Review status: criteria provided, multiple submitters, no conflicts (2 of 4 stars). 2 submissions from 2 submitters: Uncertain significance (2). Last evaluated 2025-03-03.

Allele frequency attached by ClinVar (database versions not stated): TOPMed below 0.00001.

Submissions (2):

Athena Diagnostics
Classification: Uncertain significance. Last evaluated: 2025-03-03. Review status: criteria provided, single submitter. Criteria: Athena Diagnostics Criteria. Collection method: clinical testing. Allele origin: unknown.
Comment: Available data are insufficient to determine the clinical significance of the variant at this time. This variant has not been reported in large, multi-ethnic general populations. Polyphen and MutationTaster predict this amino acid change may be damaging to the protein.

GeneDx
Classification: Uncertain significance. Last evaluated: 2019-12-18. Review status: criteria provided, single submitter. Criteria: GeneDx Variant Classification Process June 2021. Collection method: clinical testing. Allele origin: germline. Affected: yes.
Comment: In silico analysis, which includes protein predictors and evolutionary conservation, supports a deleterious effect; Has not been previously published as pathogenic or benign to our knowledge

NM_001378969.1(KCND3):c.496C>T (p.Arg166Cys)

Gene: KCND3 (potassium voltage-gated channel subfamily D member 3; minus strand). Cytogenetic location: 1p13.2.
Variant type: single nucleotide variant.
Coding change: c.496C>T on transcript NM_001378969.1 (MANE Select); coding-DNA position 496, C replaced by T.
Protein change: p.Arg166Cys; replaces arginine 166 with cysteine.
Molecular consequence: missense variant.
Genome position (GRCh38, 1-based): chr1:111,982,231, G>A on the plus strand (C>T on the coding strand, the complement: KCND3 is on the minus strand). VCF-style: chr1-111982231-G-A. GRCh37 (hg19) VCF-style: chr1-112524853-G-A.
Other names: c.496C>T, p.Arg166Cys (NM_001378970.1, NM_004980.5, NM_172198.3); short protein forms R166C.
Identifiers: ClinVar variation 1315984 (VCV001315984.3), dbSNP rs1408698527, ClinGen allele CA341822004.
Genomic context (GRCh38, chr1:111,982,231, plus strand): 5'-AGAAGACCAGGGCCAGCGTGCTGGTGTGGGGGTTCTCGAAGGCCCGCCACATGGTCTGGC[G>A]GAAGCTGAGCGAGGGCATGGACTCCTGGTTGTTCTCCGAGTCGTTGTCGTCCATGAGCCG-3'
Protein context (NP_001365898.1, residues 156-176): NQESMPSLSF[Arg166Cys]QTMWRAFENP